The following is an entry in ClinVar:

ClinVar aggregate classification (germline): Conflicting classifications of pathogenicity. Review status: criteria provided, conflicting classifications (1 of 4 stars). 7 submissions from 7 submitters: Pathogenic (1); Likely pathogenic (1); Uncertain significance (4). 1 of the submissions does not count toward it. Last evaluated 2025-08-05.

Conditions:
Mucopolysaccharidosis, MPS-I-S. Also called: Scheie Syndrome; MPS V; MUCOPOLYSACCHARIDOSIS TYPE V; MUCOPOLYSACCHARIDOSIS TYPE IS. Identifiers: Orphanet 93474, MedGen C0026708, MONDO:0011760, OMIM 607016.
Hurler syndrome. Also called: Gargoylism, Hurler Syndrome; Severe MPS I (Hurler Syndrome); MUCOPOLYSACCHARIDOSIS TYPE IH. Identifiers: Orphanet 93473, MedGen C0086795, MONDO:0011758, OMIM 607014.
Mucopolysaccharidosis, MPS-I-H/S. Also called: Mucopolysaccharidosis type IH/S. Identifiers: Orphanet 93476, MedGen C0086431, MONDO:0011759, OMIM 607015.
Mucopolysaccharidosis type 1. Also called: Mucopolysaccharidosis Type I; IDUA deficiency; MPS I. Identifiers: Orphanet 579, MedGen C0023786, MONDO:0001586.

Allele frequency attached by ClinVar (database versions not stated): ExAC below 0.00001; gnomAD 0.00005 and 0.00006; TOPMed 0.00005.
gnomAD v4.1: 12 of 1,571,548 alleles (0.00076%); highest among the groups gnomAD compares: African/African-American, 0.013%; no homozygotes.

Submissions (7):

Revvity Omics, Revvity
Classification: Uncertain significance. Last evaluated: 2025-08-05. Review status: criteria provided, single submitter. Criteria: ACMG Guidelines, 2015. Collection method: clinical testing. Allele origin: germline.

Labcorp Genetics (formerly Invitae), Labcorp
Classification: Pathogenic for Mucopolysaccharidosis type 1. Last evaluated: 2025-05-27. Review status: criteria provided, single submitter. Criteria: Invitae Variant Classification Sherloc (09022015). Collection method: clinical testing. Allele origin: germline.
Comment: This sequence change replaces leucine, which is neutral and non-polar, with proline, which is neutral and non-polar, at codon 308 of the IDUA protein (p.Leu308Pro). This variant is present in population databases (rs752337969, gnomAD 0.005%). This missense change has been observed in individual(s) with mucopolysaccharidosis type I (PMID: 21393040). It has also been observed to segregate with disease in related individuals. ClinVar contains an entry for this variant (Variation ID: 502243). Invitae Evidence Modeling of protein sequence and biophysical properties (such as structural, functional, and spatial information, amino acid conservation, physicochemical variation, residue mobility, and thermodynamic stability) has been performed for this missense variant. However, the output from this modeling did not meet the statistical confidence thresholds required to predict the impact of this variant on IDUA protein function. For these reasons, this variant has been classified as Pathogenic.

Fulgent Genetics
Classification: Likely pathogenic for Hurler syndrome; Mucopolysaccharidosis, MPS-I-H/S; Mucopolysaccharidosis, MPS-I-S. Last evaluated: 2024-02-12. Review status: criteria provided, single submitter. Criteria: ACMG Guidelines, 2015. Collection method: clinical testing. Allele origin: germline.

Blueprint Genetics
Classification: Uncertain significance. Last evaluated: 2020-06-09. Review status: criteria provided, single submitter. Criteria: ACMG Guidelines, 2015. Collection method: clinical testing. Allele origin: germline.

Broad Center for Mendelian Genomics, Broad Institute of MIT and Harvard
Classification: Uncertain significance for Mucopolysaccharidosis type 1. Last evaluated: 2020-01-13. Review status: criteria provided, single submitter. Criteria: ACMG Guidelines, 2015. Collection method: curation. Allele origin: germline. Inheritance: Autosomal recessive inheritance.
Comment: The p.Leu308Pro variant in IDUA has been reported in the homozygous state in 2 Mexican individuals with mucopolysaccharidosis (MPS), segregated with disease in 2 affected relatives from 1 family (PMID: 21393040), and has been identified in 0.005% (1/19128) of African chromosomes by the Genome Aggregation Database (gnomAD; dbSNP rs752337969). Although this variant has been seen in the general population, its frequency is low enough to be consistent with a recessive carrier frequency. This variant has also been reported in ClinVar (VariationID: 502243) as a VUS by EGL Genetic Diagnostics and Counsyl. Computational prediction tools and conservation analyses do not provide strong support for or against an impact to the protein. Two affected individuals with this variant were also homozygous for a reported pathogenic variant in another gene known to be associated with another type of MPS (VariationID: 550542). However, these two affected individuals have phenotypes that appear to be consistent with both types of MPS, raising the possibility that this variant is also pathogenic (PMID: 21393040). In summary, the clinical significance of the p.Leu308Pro variant is uncertain. ACMG/AMP Criteria applied: PM2 (Richards 2015).

Eurofins Ntd Llc (ga)
Classification: Uncertain significance. Last evaluated: 2017-06-29. Review status: criteria provided, single submitter. Criteria: EGL Classification Definitions 2015. Collection method: clinical testing. Allele origin: germline. Observed: 1 variant allele, 1 heterozygote.

Counsyl
Classification: Uncertain significance for Hurler syndrome. Last evaluated: 2017-08-10. Review status: no assertion criteria provided. Collection method: clinical testing. Allele origin: unknown. Not counted in ClinVar's aggregate classification.

Literature cited by the submitters: PubMed 21393040 (cited by Labcorp Genetics (formerly Invitae), Labcorp and Counsyl).

NM_000203.5(IDUA):c.923T>C (p.Leu308Pro)

Gene: IDUA (alpha-L-iduronidase; plus strand). Cytogenetic location: 4p16.3.
Variant type: single nucleotide variant.
Coding change: c.923T>C on transcript NM_000203.5 (MANE Select); coding-DNA position 923, T replaced by C.
Protein change: p.Leu308Pro; replaces leucine 308 with proline.
Molecular consequence: missense variant. On other transcripts: non-coding transcript variant (1).
Genome position (GRCh38, 1-based): chr4:1,002,112, T>C. VCF-style: chr4-1002112-T-C. GRCh37 (hg19) VCF-style: chr4-995900-T-C.
Other names: c.527T>C, p.Leu176Pro (NM_001363576.1); short protein forms L308P, L176P.
Identifiers: ClinVar variation 502243 (VCV000502243.17), dbSNP rs752337969, ClinGen allele CA2802119.